The following is an entry in ClinVar:

NM_198252.3(GSN):c.964A>C (p.Lys322Gln)

Gene: GSN (gelsolin; plus strand). Cytogenetic location: 9q33.2.
Variant type: single nucleotide variant.
Coding change: c.964A>C on transcript NM_198252.3 (MANE Select); coding-DNA position 964, A replaced by C.
Protein change: p.Lys322Gln; replaces lysine 322 with glutamine.
Molecular consequence: missense variant.
Genome position (GRCh38, 1-based): chr9:121,318,483, A>C. VCF-style: chr9-121318483-A-C. GRCh37 (hg19) VCF-style: chr9-124080761-A-C.
Other names: c.1117A>C, p.Lys373Gln (NM_000177.5); c.964A>C, p.Lys322Gln (NM_001127662.2, NM_001127664.2, NM_001127665.2 and 10 more transcripts); c.1072A>C, p.Lys358Gln (NM_001127663.2); c.997A>C, p.Lys333Gln (NM_001127666.2, NM_001127667.2, NM_001353063.2 and 13 more transcripts); c.1015A>C, p.Lys339Gln (NM_001258029.2); c.988A>C, p.Lys330Gln (NM_001258030.2); c.1036A>C, p.Lys346Gln (NM_001353076.2); c.310A>C, p.Lys104Gln (NM_001353078.2); short protein forms K104Q, K322Q, K330Q, K333Q, K339Q, K346Q, K358Q, K373Q.
Identifiers: ClinVar variation 4811454 (VCV004811454.1).

ClinVar aggregate classification (germline): Uncertain significance (1 of 4 stars; one submission).

Submission:

Labcorp Genetics (formerly Invitae), Labcorp
Classification: Uncertain significance. Last evaluated: 2025-10-30. Review status: criteria provided, single submitter. Criteria: Invitae Variant Classification Sherloc (09022015). Collection method: clinical testing. Allele origin: germline.
Comment: This sequence change replaces lysine, which is basic and polar, with glutamine, which is neutral and polar, at codon 373 of the GSN protein (p.Lys373Gln). This variant is not present in population databases (gnomAD no frequency). This variant has not been reported in the literature in individuals affected with GSN-related conditions. Invitae Evidence Modeling of protein sequence and biophysical properties (such as structural, functional, and spatial information, amino acid conservation, physicochemical variation, residue mobility, and thermodynamic stability) indicates that this missense variant is not expected to disrupt GSN protein function with a negative predictive value of 80%. In summary, the available evidence is currently insufficient to determine the role of this variant in disease. Therefore, it has been classified as a Variant of Uncertain Significance.